The following is an entry in ClinVar:

NM_024675.4(PALB2):c.2690T>C (p.Leu897Pro)

Gene: PALB2 (partner and localizer of BRCA2; minus strand). Cytogenetic location: 16p12.2.
Variant type: single nucleotide variant.
Coding change: c.2690T>C on transcript NM_024675.4 (MANE Select); coding-DNA position 2690, T replaced by C.
Protein change: p.Leu897Pro; replaces leucine 897 with proline.
Molecular consequence: missense variant.
Genome position (GRCh38, 1-based): chr16:23,626,294, A>G on the plus strand (T>C on the coding strand, the complement: PALB2 is on the minus strand). VCF-style: chr16-23626294-A-G. GRCh37 (hg19) VCF-style: chr16-23637615-A-G.
Other names: short protein forms L897P.
Identifiers: ClinVar variation 951464 (VCV000951464.13), dbSNP rs876660377, ClinGen allele CA395121983.
Genomic context (GRCh38, chr16:23,626,294, plus strand): 5'-ACCTCTGCGAAGTGCCAGGTATAAAGTTTTTCCCACTGCCAAGCATCCAGAGCTTTCCAA[A>G]GAGAAACTACATCTTCGCAAGCAGTTATGATACATGGCTCTTTACAACCGGCTCTTTCCC-3'
Protein context (NP_078951.2, residues 887-907): IITACEDVVS[Leu897Pro]WKALDAWQWE

ClinVar aggregate classification (germline): Uncertain significance. Review status: criteria provided, multiple submitters, no conflicts (2 of 4 stars). 2 submissions from 2 submitters: Uncertain significance (2). Last evaluated 2022-10-19.

Conditions:
Hereditary cancer-predisposing syndrome. Also called: Tumor predisposition; Hereditary neoplastic syndrome; Neoplastic Syndromes, Hereditary; Hereditary Cancer Syndrome. Identifiers: Orphanet 140162, MedGen C0027672, MeSH D009386, MONDO:0015356.
Familial cancer of breast. Also called: BREAST CANCER, FAMILIAL; Hereditary breast cancer; hereditary breast carcinoma. Identifiers: Orphanet 227535, MedGen C0346153, MONDO:0016419, OMIM 114480. Disease mechanism: loss of function.

Submissions (2):

Labcorp Genetics (formerly Invitae), Labcorp
Classification: Uncertain significance for Familial cancer of breast. Last evaluated: 2022-10-19. Review status: criteria provided, single submitter. Criteria: Invitae Variant Classification Sherloc (09022015). Collection method: clinical testing. Allele origin: germline.
Comment: This sequence change replaces leucine, which is neutral and non-polar, with proline, which is neutral and non-polar, at codon 897 of the PALB2 protein (p.Leu897Pro). This variant is not present in population databases (gnomAD no frequency). This variant has not been reported in the literature in individuals affected with PALB2-related conditions. ClinVar contains an entry for this variant (Variation ID: 951464). Advanced modeling of protein sequence and biophysical properties (such as structural, functional, and spatial information, amino acid conservation, physicochemical variation, residue mobility, and thermodynamic stability) performed at Invitae indicates that this missense variant is expected to disrupt PALB2 protein function. In summary, the available evidence is currently insufficient to determine the role of this variant in disease. Therefore, it has been classified as a Variant of Uncertain Significance.

Ambry Genetics
Classification: Uncertain significance for Hereditary cancer-predisposing syndrome. Last evaluated: 2021-11-16. Review status: criteria provided, single submitter. Criteria: Ambry Variant Classification Scheme 2023. Collection method: clinical testing. Allele origin: germline.
Comment: The p.L897P variant (also known as c.2690T>C), located in coding exon 7 of the PALB2 gene, results from a T to C substitution at nucleotide position 2690. The leucine at codon 897 is replaced by proline, an amino acid with similar properties. This amino acid position is highly conserved in available vertebrate species. In addition, this alteration is predicted to be deleterious by in silico analysis. Since supporting evidence is limited at this time, the clinical significance of this alteration remains unclear.